The following is an entry in ClinVar:

ClinVar aggregate classification (germline): Uncertain significance (1 of 4 stars; one submission).

Conditions:
Catecholaminergic polymorphic ventricular tachycardia 1. Also called: VENTRICULAR TACHYCARDIA, STRESS-INDUCED POLYMORPHIC 1; RYR2-Related Catecholaminergic Polymorphic Ventricular Tachycardia; VENTRICULAR TACHYCARDIA, CATECHOLAMINERGIC POLYMORPHIC, 1, WITH OR WITHOUT ATRIAL DYSFUNCTION AND/OR DILATED CARDIOMYOPATHY. Identifiers: Orphanet 3286, MedGen C1631597, MONDO:0011484, OMIM 604772.

gnomAD v4.1: 1 of 1,605,504 alleles (0.000062%); highest among the groups gnomAD compares: Non-Finnish European, 0.000085%; no homozygotes.

Submission:

Labcorp Genetics (formerly Invitae), Labcorp
Classification: Uncertain significance for Catecholaminergic polymorphic ventricular tachycardia 1. Last evaluated: 2025-05-11. Review status: criteria provided, single submitter. Criteria: Invitae Variant Classification Sherloc (09022015). Collection method: clinical testing. Allele origin: germline.
Comment: This sequence change replaces tyrosine, which is neutral and polar, with histidine, which is basic and polar, at codon 2956 of the RYR2 protein (p.Tyr2956His). This variant is not present in population databases (gnomAD no frequency). This variant has not been reported in the literature in individuals affected with RYR2-related conditions. Invitae Evidence Modeling of protein sequence and biophysical properties (such as structural, functional, and spatial information, amino acid conservation, physicochemical variation, residue mobility, and thermodynamic stability) indicates that this missense variant is not expected to disrupt RYR2 protein function with a negative predictive value of 95%. In summary, the available evidence is currently insufficient to determine the role of this variant in disease. Therefore, it has been classified as a Variant of Uncertain Significance.

NM_001035.3(RYR2):c.8866T>C (p.Tyr2956His)

Gene: RYR2 (ryanodine receptor 2; plus strand). Cytogenetic location: 1q43.
Variant type: single nucleotide variant.
Coding change: c.8866T>C on transcript NM_001035.3 (MANE Select); coding-DNA position 8866, T replaced by C.
Protein change: p.Tyr2956His; replaces tyrosine 2956 with histidine.
Molecular consequence: missense variant.
Genome position (GRCh38, 1-based): chr1:237,678,083, T>C. VCF-style: chr1-237678083-T-C. GRCh37 (hg19) VCF-style: chr1-237841383-T-C.
Other names: short protein forms Y2956H.
Identifiers: ClinVar variation 4800097 (VCV004800097.1).